The following is an entry in ClinVar:

ClinVar aggregate classification (germline): Uncertain significance. Review status: criteria provided, multiple submitters, no conflicts (2 of 4 stars). 8 submissions from 8 submitters: Uncertain significance (6). 2 of the submissions do not count toward it. Last evaluated 2025-08-12.

Allele frequency attached by ClinVar (database versions not stated): 1000 Genomes Project 30x 0.00016; 1000 Genomes Project 0.00020; ESP Exome Variant Server 0.00038; ExAC 0.00042; TOPMed 0.00043; gnomAD exomes 0.00044 and 0.00086; gnomAD 0.00048 and 0.00050.
gnomAD v4.1: 1,304 of 1,613,428 alleles (0.081%); highest among the groups gnomAD compares: Non-Finnish European, 0.1%; 2 homozygotes.

Submissions (8):

Athena Diagnostics
Classification: Uncertain significance. Last evaluated: 2025-08-12. Review status: criteria provided, single submitter. Criteria: Athena Diagnostics Criteria. Collection method: clinical testing. Allele origin: unknown.
Comment: Available data are insufficient to determine the clinical significance of the variant at this time. The frequency of this variant in the general population is higher than would generally be expected for pathogenic variants in this gene. Polyphen and MutationTaster yielded discordant predictions regarding whether this amino acid change is damaging to the protein.

Blueprint Genetics
Classification: Uncertain significance. Last evaluated: 2024-11-11. Review status: criteria provided, single submitter. Criteria: ACMG Guidelines, 2015. Collection method: clinical testing. Allele origin: germline.

Labcorp Genetics (formerly Invitae), Labcorp
Classification: Uncertain significance. Last evaluated: 2022-11-01. Review status: criteria provided, single submitter. Criteria: Invitae Variant Classification Sherloc (09022015). Collection method: clinical testing. Allele origin: germline.
Comment: This sequence change replaces serine, which is neutral and polar, with leucine, which is neutral and non-polar, at codon 2446 of the HSPG2 protein (p.Ser2446Leu). This variant is present in population databases (rs146950983, gnomAD 0.08%). This variant has not been reported in the literature in individuals affected with HSPG2-related conditions. ClinVar contains an entry for this variant (Variation ID: 290770). Algorithms developed to predict the effect of missense changes on protein structure and function are either unavailable or do not agree on the potential impact of this missense change (SIFT: "Tolerated"; PolyPhen-2: "Possibly Damaging"; Align-GVGD: "Class C0"). In summary, the available evidence is currently insufficient to determine the role of this variant in disease. Therefore, it has been classified as a Variant of Uncertain Significance.

ARUP Laboratories, Molecular Genetics and Genomics, ARUP Laboratories
Classification: Uncertain significance. Last evaluated: 2021-02-05. Review status: criteria provided, single submitter. Criteria: ARUP Molecular Germline Variant Investigation Process 2021. Collection method: clinical testing. Allele origin: germline.
Comment: The HSPG2 c.7337C>T; p.Ser2446Leu variant (rs146950983), to our knowledge, is not reported in the medical literature but is reported in ClinVar (Variation ID: 290770). This variant is found in the general population with an overall allele frequency of 0.042% (118/281944 alleles) in the Genome Aggregation Database. The serine at codon 2446 is highly conserved, and computational analyses (SIFT: tolerated, PolyPhen-2: possibly damaging) predict conflicting effects of this variant on protein structure/function. Due to limited information, the clinical significance of the p.Ser2446Leu variant is uncertain at this time.

Revvity Omics, Revvity
Classification: Uncertain significance. Last evaluated: 2019-02-08. Review status: criteria provided, single submitter. Criteria: ACMG Guidelines, 2015. Collection method: clinical testing. Allele origin: germline.

Eurofins Ntd Llc (ga)
Classification: Uncertain significance. Last evaluated: 2016-09-01. Review status: criteria provided, single submitter. Criteria: EGL Classification Definitions 2015. Collection method: clinical testing. Allele origin: germline. Observed: 1 variant allele, 1 heterozygote.

Genome Diagnostics Laboratory, University Medical Center Utrecht
Classification: Likely benign. Review status: no assertion criteria provided. Collection method: clinical testing. Allele origin: germline. Affected: yes. Study: VKGL Data-share Consensus. Not counted in ClinVar's aggregate classification.

Laboratory of Diagnostic Genome Analysis, Leiden University Medical Center (LUMC)
Classification: Likely benign. Review status: no assertion criteria provided. Collection method: clinical testing. Allele origin: germline. Affected: yes. Study: VKGL Data-share Consensus. Not counted in ClinVar's aggregate classification.

NM_005529.7(HSPG2):c.7337C>T (p.Ser2446Leu)

Gene: HSPG2 (heparan sulfate proteoglycan 2; minus strand). Cytogenetic location: 1p36.12.
Variant type: single nucleotide variant.
Coding change: c.7337C>T on transcript NM_005529.7 (MANE Select); coding-DNA position 7337, C replaced by T.
Protein change: p.Ser2446Leu; replaces serine 2446 with leucine.
Molecular consequence: missense variant.
Genome position (GRCh38, 1-based): chr1:21,850,150, G>A on the plus strand (C>T on the coding strand, the complement: HSPG2 is on the minus strand). VCF-style: chr1-21850150-G-A. GRCh37 (hg19) VCF-style: chr1-22176643-G-A.
Other names: c.7340C>T, p.Ser2447Leu (NM_001291860.2); short protein forms S2446L, S2447L.
Identifiers: ClinVar variation 290770 (VCV000290770.23), dbSNP rs146950983, ClinGen allele CA671222.